The following is an entry in ClinVar:

NM_182943.3(PLOD2):c.1105G>A (p.Ala369Thr)

Gene: PLOD2 (procollagen-lysine,2-oxoglutarate 5-dioxygenase 2; minus strand). Cytogenetic location: 3q24.
Variant type: single nucleotide variant.
Coding change: c.1105G>A on transcript NM_182943.3 (MANE Select); coding-DNA position 1105, G replaced by A.
Protein change: p.Ala369Thr; replaces alanine 369 with threonine.
Molecular consequence: missense variant.
Genome position (GRCh38, 1-based): chr3:146,086,809, C>T on the plus strand (G>A on the coding strand, the complement: PLOD2 is on the minus strand). VCF-style: chr3-146086809-C-T. GRCh37 (hg19) VCF-style: chr3-145804596-C-T.
Other names: c.1105G>A, p.Ala369Thr (NM_000935.3); short protein forms A369T.
Identifiers: ClinVar variation 1366248 (VCV001366248.7), dbSNP rs1273830117, ClinGen allele CA354891673.

ClinVar aggregate classification (germline): Uncertain significance (1 of 4 stars; one submission).

Allele frequency attached by ClinVar (database versions not stated): gnomAD exomes below 0.00001; gnomAD 0.00001; TOPMed 0.00001.
gnomAD v4.1: 3 of 1,498,418 alleles (0.0002%); highest among the groups gnomAD compares: East Asian, 0.0024%; no homozygotes.

Submission:

Labcorp Genetics (formerly Invitae), Labcorp
Classification: Uncertain significance. Last evaluated: 2022-08-22. Review status: criteria provided, single submitter. Criteria: Invitae Variant Classification Sherloc (09022015). Collection method: clinical testing. Allele origin: germline.
Comment: In summary, the available evidence is currently insufficient to determine the role of this variant in disease. Therefore, it has been classified as a Variant of Uncertain Significance. Algorithms developed to predict the effect of missense changes on protein structure and function (SIFT, PolyPhen-2, Align-GVGD) all suggest that this variant is likely to be tolerated. ClinVar contains an entry for this variant (Variation ID: 1366248). This variant has not been reported in the literature in individuals affected with PLOD2-related conditions. This variant is present in population databases (no rsID available, gnomAD 0.06%). This sequence change replaces alanine, which is neutral and non-polar, with threonine, which is neutral and polar, at codon 369 of the PLOD2 protein (p.Ala369Thr).